The following is an entry in ClinVar:

NM_001143809.2(BDNF):c.2T>C (p.Met1Thr)

Gene: BDNF (brain derived neurotrophic factor; minus strand). Cytogenetic location: 11p14.1.
Variant type: single nucleotide variant.
Coding change: c.2T>C on transcript NM_001143809.2; coding-DNA position 2, T replaced by C.
Protein change: p.Met1Thr; changes the start codon (methionine 1).
Molecular consequence: missense variant, initiator codon variant. On other transcripts: 5 prime UTR variant (3), intron variant (6).
Genome position (GRCh38, 1-based): chr11:27,701,035, A>G on the plus strand (T>C on the coding strand, the complement: BDNF is on the minus strand). VCF-style: chr11-27701035-A-G. GRCh37 (hg19) VCF-style: chr11-27722582-A-G.
Other names: c.-76T>C (NM_001143808.2); c.-123T>C (NM_001143810.2); c.-486T>C (NM_001143811.2); c.3+20377T>C (NM_170731.5); c.-22+19609T>C (NM_001143805.1); c.-22+19394T>C (NM_001143806.1); c.-22+19311T>C (NM_170732.4); c.-22+18476T>C (NM_001143807.2); and 1 more; short protein forms M1T.
Identifiers: ClinVar variation 3351169 (VCV003351169.2).

ClinVar aggregate classification (germline): Uncertain significance (1 of 4 stars; one submission).

Conditions:
BDNF-related disorder. Also called: BDNF-related condition.

gnomAD v4.1: 19 of 1,358,620 alleles (0.0014%); highest among the groups gnomAD compares: Admixed American, 0.025%; no homozygotes.

Submission:

PreventionGenetics, part of Exact Sciences
Classification: Uncertain significance for BDNF-related condition. Last evaluated: 2025-05-02. Review status: criteria provided, single submitter. Criteria: ACMG Guidelines, 2015. Collection method: clinical testing. Allele origin: germline.
Comment: The BDNF c.2T>C variant is predicted to disrupt the translation initiation site (Start loss). To our knowledge, this variant has not been reported in the literature. This variant is reported in 0.030% of alleles in individuals of Latino descent in gnomAD. At this time, the clinical significance of this variant is uncertain due to the absence of conclusive functional and genetic evidence.